The following is an entry in ClinVar:

NM_032608.7(MYO18B):c.3928G>C (p.Ala1310Pro)

Gene: MYO18B (myosin XVIIIB; plus strand). Cytogenetic location: 22q12.1.
Variant type: single nucleotide variant.
Coding change: c.3928G>C on transcript NM_032608.7 (MANE Select); coding-DNA position 3928, G replaced by C.
Protein change: p.Ala1310Pro; replaces alanine 1310 with proline.
Molecular consequence: missense variant.
Genome position (GRCh38, 1-based): chr22:25,868,362, G>C. VCF-style: chr22-25868362-G-C. GRCh37 (hg19) VCF-style: chr22-26264329-G-C.
Other names: c.3931G>C, p.Ala1311Pro (NM_001318245.2); short protein forms A1310P, A1311P.
Identifiers: ClinVar variation 1461370 (VCV001461370.4), dbSNP rs1389574223, ClinGen allele CA411006543.

ClinVar aggregate classification (germline): Uncertain significance (1 of 4 stars; one submission).

Allele frequency attached by ClinVar (database versions not stated): TOPMed below 0.00001; gnomAD 0.00001; gnomAD exomes 0.00001.
gnomAD v4.1: 5 of 1,602,400 alleles (0.00031%); highest among the groups gnomAD compares: Admixed American, 0.0034%; no homozygotes.

Submission:

Labcorp Genetics (formerly Invitae), Labcorp
Classification: Uncertain significance. Last evaluated: 2025-10-02. Review status: criteria provided, single submitter. Criteria: Invitae Variant Classification Sherloc (09022015). Collection method: clinical testing. Allele origin: germline.
Comment: This sequence change replaces alanine with proline at codon 1310 of the MYO18B protein (p.Ala1310Pro). The alanine residue is weakly conserved and there is a small physicochemical difference between alanine and proline. This variant is not present in population databases (gnomAD no frequency). This variant has not been reported in the literature in individuals affected with MYO18B-related conditions. ClinVar contains an entry for this variant (Variation ID: 1461370). An algorithm developed to predict the effect of missense changes on protein structure and function (PolyPhen-2) suggests that this variant is likely to be disruptive. In summary, the available evidence is currently insufficient to determine the role of this variant in disease. Therefore, it has been classified as a Variant of Uncertain Significance.